The following is an entry in ClinVar:

NM_001271.4(CHD2):c.922C>T (p.Leu308Phe)

Gene: CHD2 (chromodomain helicase DNA binding protein 2; plus strand). Cytogenetic location: 15q26.1.
Variant type: single nucleotide variant.
Coding change: c.922C>T on transcript NM_001271.4 (MANE Select); coding-DNA position 922, C replaced by T.
Protein change: p.Leu308Phe; replaces leucine 308 with phenylalanine.
Molecular consequence: missense variant.
Genome position (GRCh38, 1-based): chr15:92,942,938, C>T. VCF-style: chr15-92942938-C-T. GRCh37 (hg19) VCF-style: chr15-93486168-C-T.
Other names: c.922C>T, p.Leu308Phe (NM_001042572.3); short protein forms L308F.
Identifiers: ClinVar variation 4740790 (VCV004740790.1).
Genomic context (GRCh38, chr15:92,942,938, plus strand): 5'-GCTAATGGCGACCCTAGTGGTGACTTTGACACTGAAAAGGATGAAGGTGAAATCCAGTAC[C>T]TCATCAAGTGGAAGGGTTGGTCTTACATCCACAGCACATGGGAGAGTGAAGAATCCTTAC-3'
Protein context (NP_001262.3, residues 298-318): TEKDEGEIQY[Leu308Phe]IKWKGWSYIH

ClinVar aggregate classification (germline): Uncertain significance (1 of 4 stars; one submission).

Conditions:
Developmental and epileptic encephalopathy 94 (DEE94). Also called: CHD2-Related Neurodevelopmental Disorders; Epileptic encephalopathy, childhood-onset. Identifiers: Orphanet 1942, Orphanet 2382, MedGen C3809278, MONDO:0014150, OMIM 615369.

Submission:

Labcorp Genetics (formerly Invitae), Labcorp
Classification: Uncertain significance for Developmental and epileptic encephalopathy 94. Last evaluated: 2025-02-26. Review status: criteria provided, single submitter. Criteria: Invitae Variant Classification Sherloc (09022015). Collection method: clinical testing. Allele origin: germline.
Comment: This sequence change replaces leucine, which is neutral and non-polar, with phenylalanine, which is neutral and non-polar, at codon 308 of the CHD2 protein (p.Leu308Phe). This variant is not present in population databases (gnomAD no frequency). This variant has not been reported in the literature in individuals affected with CHD2-related conditions. Invitae Evidence Modeling of protein sequence and biophysical properties (such as structural, functional, and spatial information, amino acid conservation, physicochemical variation, residue mobility, and thermodynamic stability) indicates that this missense variant is not expected to disrupt CHD2 protein function with a negative predictive value of 95%. In summary, the available evidence is currently insufficient to determine the role of this variant in disease. Therefore, it has been classified as a Variant of Uncertain Significance.